The following is an entry in ClinVar:

NM_005502.4(ABCA1):c.953A>C (p.Lys318Thr)

Gene: ABCA1 (ATP binding cassette subfamily A member 1; minus strand). Cytogenetic location: 9q31.1.
Variant type: single nucleotide variant.
Coding change: c.953A>C on transcript NM_005502.4 (MANE Select); coding-DNA position 953, A replaced by C.
Protein change: p.Lys318Thr; replaces lysine 318 with threonine.
Molecular consequence: missense variant.
Genome position (GRCh38, 1-based): chr9:104,840,380, T>G on the plus strand (A>C on the coding strand, the complement: ABCA1 is on the minus strand). VCF-style: chr9-104840380-T-G. GRCh37 (hg19) VCF-style: chr9-107602661-T-G.
Other names: short protein forms K318T.
Identifiers: ClinVar variation 3833776 (VCV003833776.1).

ClinVar aggregate classification (germline): Uncertain significance (1 of 4 stars; one submission).

Conditions:
Cardiovascular phenotype. Identifiers: MedGen CN230736.

gnomAD v4.1: 2 of 1,614,210 alleles (0.00012%); highest among the groups gnomAD compares: Non-Finnish European, 0.00017%; no homozygotes.

Submission:

Ambry Genetics
Classification: Uncertain significance for Cardiovascular phenotype. Last evaluated: 2025-02-01. Review status: criteria provided, single submitter. Criteria: Ambry Variant Classification Scheme 2023. Collection method: clinical testing. Allele origin: germline.
Comment: The p.K318T variant (also known as c.953A>C), located in coding exon 8 of the ABCA1 gene, results from an A to C substitution at nucleotide position 953. The lysine at codon 318 is replaced by threonine, an amino acid with similar properties. This amino acid position is conserved. In addition, the in silico prediction for this alteration is inconclusive. Based on the available evidence, the clinical significance of this variant remains unclear.